The following is an entry in ClinVar:

ClinVar aggregate classification (germline): Uncertain significance (1 of 4 stars; one submission).

gnomAD v4.1: 1 of 1,466,252 alleles (0.000068%); highest among the groups gnomAD compares: Non-Finnish European, 0.00009%; no homozygotes.

Submission:

Labcorp Genetics (formerly Invitae), Labcorp
Classification: Uncertain significance. Last evaluated: 2022-02-28. Review status: criteria provided, single submitter. Criteria: Invitae Variant Classification Sherloc (09022015). Collection method: clinical testing. Allele origin: germline.
Comment: This variant is not present in population databases (gnomAD no frequency). In summary, the available evidence is currently insufficient to determine the role of this variant in disease. Therefore, it has been classified as a Variant of Uncertain Significance. Algorithms developed to predict the effect of missense changes on protein structure and function are either unavailable or do not agree on the potential impact of this missense change (SIFT: "Deleterious"; PolyPhen-2: "Probably Damaging"; Align-GVGD: "Class C0"). This variant has not been reported in the literature in individuals affected with GRM6-related conditions. This sequence change replaces aspartic acid, which is acidic and polar, with glutamic acid, which is acidic and polar, at codon 97 of the GRM6 protein (p.Asp97Glu).

NM_000843.4(GRM6):c.291C>G (p.Asp97Glu)

Gene: GRM6 (glutamate metabotropic receptor 6; minus strand). Cytogenetic location: 5q35.3.
Variant type: single nucleotide variant.
Coding change: c.291C>G on transcript NM_000843.4 (MANE Select); coding-DNA position 291, C replaced by G.
Protein change: p.Asp97Glu; replaces aspartic acid 97 with glutamic acid.
Molecular consequence: missense variant.
Genome position (GRCh38, 1-based): chr5:178,994,654, G>C on the plus strand (C>G on the coding strand, the complement: GRM6 is on the minus strand). VCF-style: chr5-178994654-G-C. GRCh37 (hg19) VCF-style: chr5-178421655-G-C.
Other names: short protein forms D97E.
Identifiers: ClinVar variation 2104227 (VCV002104227.4), dbSNP rs2480407835, ClinGen allele CA362436687.
Genomic context (GRCh38, chr5:178,994,654, plus strand): 5'-GATCAGCGCCTGCACGAAGCTCAGCGCCTGCTCCAGCGCGTAGGTGTCCCGCGAGCAGGT[G>C]TCCAGCAGCCGCGCGCCCAGGCGCACGCCGGGCAGCAGCTCGGGGTCGGCGTTGACGCGG-3'
Protein context (NP_000834.2, residues 87-107): PGVRLGARLL[Asp97Glu]TCSRDTYALE